The following is an entry in ClinVar:

NM_032590.5(KDM2B):c.3174C>T (p.Asp1058=)

Gene: KDM2B (lysine demethylase 2B; minus strand). Cytogenetic location: 12q24.31.
Variant type: single nucleotide variant.
Coding change: c.3174C>T on transcript NM_032590.5 (MANE Select); coding-DNA position 3174, C replaced by T.
Protein change: p.Asp1058=; no amino-acid change (aspartic acid 1058 retained).
Molecular consequence: synonymous variant.
Genome position (GRCh38, 1-based): chr12:121,442,267, G>A on the plus strand (C>T on the coding strand, the complement: KDM2B is on the minus strand). VCF-style: chr12-121442267-G-A. GRCh37 (hg19) VCF-style: chr12-121880070-G-A.
Other names: c.2967C>T, p.Asp989= (NM_001005366.2).
Identifiers: ClinVar variation 720488 (VCV000720488.6), dbSNP rs201080343, ClinGen allele CA6836291.

ClinVar aggregate classification (germline): Benign. Review status: criteria provided, single submitter (1 of 4 stars). 2 submissions from 2 submitters: Benign (1). 1 of the submissions does not count toward it. Last evaluated 2019-12-31.

Conditions:
KDM2B-related disorder. Also called: KDM2B-related condition.

Allele frequency attached by ClinVar (database versions not stated): gnomAD exomes 0.00063 and 0.00156; 1000 Genomes Project 30x 0.00437; gnomAD 0.00625 and 0.00685; ESP Exome Variant Server 0.00567; TOPMed 0.00696; ExAC 0.00195; 1000 Genomes Project 0.00379.
gnomAD v4.1: 1,919 of 1,612,606 alleles (0.12%); highest among the groups gnomAD compares: African/African-American, 2.3%; 22 homozygotes.

Submissions (2):

Labcorp Genetics (formerly Invitae), Labcorp
Classification: Benign. Last evaluated: 2019-12-31. Review status: criteria provided, single submitter. Criteria: Invitae Variant Classification Sherloc (09022015). Collection method: clinical testing. Allele origin: germline.

PreventionGenetics, part of Exact Sciences
Classification: Benign for KDM2B-related condition. Last evaluated: 2019-04-29. Review status: no assertion criteria provided. Collection method: clinical testing. Allele origin: germline. Not counted in ClinVar's aggregate classification.
Comment: This variant is classified as benign based on ACMG/AMP sequence variant interpretation guidelines (Richards et al. 2015 PMID: 25741868, with internal and published modifications).